The following is an entry in ClinVar:

ClinVar aggregate classification (germline): Likely benign (1 of 4 stars; one submission).

gnomAD v4.1: 74 of 1,590,536 alleles (0.0047%); highest among the groups gnomAD compares: Non-Finnish European, 0.0057%; no homozygotes.

Submission:

CeGaT Center for Human Genetics Tuebingen
Classification: Likely benign. Last evaluated: 2024-08-01. Review status: criteria provided, single submitter. Criteria: CeGaT Center For Human Genetics Tuebingen Variant Classification Criteria Version 2. Collection method: clinical testing. Allele origin: germline. Affected: yes. Observed: 1 variant allele.
Comment: ABCA13: BP4

NM_152701.5(ABCA13):c.6778A>G (p.Ile2260Val)

Gene: ABCA13 (ATP binding cassette subfamily A member 13; plus strand). Cytogenetic location: 7p12.3.
Variant type: single nucleotide variant.
Coding change: c.6778A>G on transcript NM_152701.5 (MANE Select); coding-DNA position 6778, A replaced by G.
Protein change: p.Ile2260Val; replaces isoleucine 2260 with valine.
Molecular consequence: missense variant.
Genome position (GRCh38, 1-based): chr7:48,276,444, A>G. VCF-style: chr7-48276444-A-G. GRCh37 (hg19) VCF-style: chr7-48316041-A-G.
Other names: short protein forms I2260V.
Identifiers: ClinVar variation 3341843 (VCV003341843.16).